The following is an entry in ClinVar:

ClinVar aggregate classification (germline): Pathogenic (1 of 4 stars; one submission).

Conditions:
Ehlers-Danlos syndrome, classic type, 1 (EDSCL1). Also called: Ehlers-Danlos Syndrome, Classic Type, COL5A1-Related; EDS I; Ehlers-Danlos syndrome, type 1; EHLERS-DANLOS SYNDROME, GRAVIS TYPE; EHLERS-DANLOS SYNDROME, SEVERE CLASSIC TYPE. Identifiers: MedGen C0268335, MONDO:0019567, OMIM 130000.

Submission:

Labcorp Genetics (formerly Invitae), Labcorp
Classification: Pathogenic for Ehlers-Danlos syndrome, classic type, 1. Last evaluated: 2018-04-25. Review status: criteria provided, single submitter. Criteria: Invitae Variant Classification Sherloc (09022015). Collection method: clinical testing. Allele origin: germline.
Comment: For these reasons, this variant has been classified as Pathogenic. Loss-of-function variants in COL5A1 are known to be pathogenic (PMID: 23587214). This variant has not been reported in the literature in individuals with COL5A1-related disease. This variant is not present in population databases (ExAC no frequency). This sequence change creates a premature translational stop signal (p.Arg1637Alafs*92) in the COL5A1 gene. It is expected to result in an absent or disrupted protein product.

Literature cited by the submitters: PubMed 23587214.

NM_000093.5(COL5A1):c.4909del (p.Arg1637fs)

Genes: COL5A1 (collagen type V alpha 1 chain; plus strand), LOC101448202 (uncharacterized LOC101448202; minus strand). Cytogenetic location: 9q34.3.
Variant type: Deletion.
Coding change: c.4909del on transcript NM_000093.5 (MANE Select); coding-DNA position 4909, one base deleted (C; older notation c.4909delC).
Protein change: p.Arg1637fs; shifts the reading frame from arginine 1637.
Molecular consequence: frameshift variant.
Genome position (GRCh38, 1-based): chr9:134,824,810, C deleted; the last of 3 consecutive C bases (chr9:134,824,808-134,824,810); deleting any one gives the same sequence. VCF-style (leftmost placement, unchanged base first): chr9-134824807-GC-G. GRCh37 (hg19) VCF-style: chr9-137716653-GC-G.
Other names: c.4909del, p.Arg1637fs (NM_001278074.1); c.4909delC (NM_000093.4); short protein forms R1637fs.
Identifiers: ClinVar variation 576449 (VCV000576449.8), dbSNP rs1564487306, ClinGen allele CA891843268.